The following is an entry in ClinVar:

NM_000531.6(OTC):c.390_392dup (p.Leu131dup)

Gene: OTC (ornithine transcarbamylase; plus strand). Cytogenetic location: Xp11.4.
Variant type: Duplication.
Coding change: c.390_392dup on transcript NM_000531.6 (MANE Select); coding-DNA positions 390 to 392, 3 bases duplicated (ATT; older notation c.390_392dupATT).
Protein change: p.Leu131dup; duplicates leucine 131.
Molecular consequence: inframe insertion.
Genome position (GRCh38, 1-based): chrX:38,401,278-38,401,280, ATT duplicated; duplicating any 3 consecutive bases within chrX:38,401,277-38,401,280 gives the same sequence; the c. name uses the placement nearest the transcript's 3' end. VCF-style (leftmost placement, unchanged base first): chrX-38401276-G-GTAT. GRCh37 (hg19) VCF-style: chrX-38260529-G-GTAT.
Identifiers: ClinVar variation 97185 (VCV000097185.2), dbSNP rs72556251, ClinGen allele CA224576.

ClinVar aggregate classification (germline): Pathogenic (0 of 4 stars; one submission).

Submission:

GenMed Metabolism Lab
Classification: Pathogenic. Review status: no assertion criteria provided. Collection method: not provided. Allele origin: unknown.
ClinVar note: Converted during submission from pathogenic to Pathogenic.